The following is an entry in ClinVar:

ClinVar aggregate classification (germline): Likely benign (1 of 4 stars; one submission).

gnomAD v4.1: 2 of 1,610,362 alleles (0.00012%); highest among the groups gnomAD compares: Non-Finnish European, 0.00017%; no homozygotes.

Submission:

CeGaT Center for Human Genetics Tuebingen
Classification: Likely benign. Last evaluated: 2026-06-01. Review status: criteria provided, single submitter. Criteria: CeGaT Center For Human Genetics Tuebingen Variant Classification Criteria Version 2. Collection method: clinical testing. Allele origin: germline. Affected: yes. Observed: 1 variant allele.
Comment: TET3: BP4, BP7

NM_001287491.2(TET3):c.4119C>G (p.Pro1373=)

Gene: TET3 (tet methylcytosine dioxygenase 3; plus strand). Cytogenetic location: 2p13.1.
Variant type: single nucleotide variant.
Coding change: c.4119C>G on transcript NM_001287491.2 (MANE Select); coding-DNA position 4119, C replaced by G.
Protein change: p.Pro1373=; no amino-acid change (proline 1373 retained).
Molecular consequence: synonymous variant.
Genome position (GRCh38, 1-based): chr2:74,100,907, C>G. VCF-style: chr2-74100907-C-G. GRCh37 (hg19) VCF-style: chr2-74328034-C-G.
Other names: c.3840C>G, p.Pro1280= (NM_001366022.1).
Identifiers: ClinVar variation 4875270 (VCV004875270.2).